The following is an entry in ClinVar:

NM_000053.4(ATP7B):c.2866-2A>G

Gene: ATP7B (ATPase copper transporting beta; minus strand). Cytogenetic location: 13q14.3.
Variant type: single nucleotide variant.
Coding change: c.2866-2A>G on transcript NM_000053.4 (MANE Select); the canonical splice acceptor site of the intron before coding-DNA position 2866, A replaced by G.
Molecular consequence: splice acceptor variant. On other transcripts: intron variant (6).
Genome position (GRCh38, 1-based): chr13:51,946,480, T>C on the plus strand (A>G on the coding strand, the complement: ATP7B is on the minus strand). VCF-style: chr13-51946480-T-C. GRCh37 (hg19) VCF-style: chr13-52520616-T-C.
Other names: c.2380-2A>G (NM_001406541.1, NM_001406542.1); c.2614-2A>G (NM_001406531.1, NM_001406532.1, NM_001330579.2); c.2632-2A>G (NM_001406527.1, NM_001406528.1, NM_001406538.1 and 1 more transcripts); c.2722-2189A>G (NM_001406537.1); c.2722-2A>G (NM_001406521.1, NM_001406522.1, NM_001406520.1); c.2866-2A>G (NM_001406513.1, NM_001406511.1, NM_001406512.1 and 2 more transcripts); c.2518-2A>G (NM_001406543.1); c.2812-2A>G (NM_001406516.1, NM_001406515.1); and 18 more.
Identifiers: ClinVar variation 623292 (VCV000623292.12), dbSNP rs1377418826, ClinGen allele CA388032611.

ClinVar aggregate classification (germline): Pathogenic. Review status: criteria provided, multiple submitters, no conflicts (2 of 4 stars). 3 submissions from 3 submitters: Pathogenic (2). 1 of the submissions does not count toward it. Last evaluated 2021-08-10.

Conditions:
Wilson disease (WND). Also called: Wilson's disease. Identifiers: Orphanet 905, MedGen C0019202, MONDO:0010200, OMIM 277900. Disease mechanism: loss of function.

Submissions (3):

Genome-Nilou Lab
Classification: Pathogenic for Wilson disease. Last evaluated: 2021-08-10. Review status: criteria provided, single submitter. Criteria: ACMG Guidelines, 2015. Collection method: clinical testing. Allele origin: germline. Affected: no.

Labcorp Genetics (formerly Invitae), Labcorp
Classification: Pathogenic for Wilson disease. Last evaluated: 2019-03-23. Review status: criteria provided, single submitter. Criteria: Invitae Variant Classification Sherloc (09022015). Collection method: clinical testing. Allele origin: germline.
Comment: For these reasons, this variant has been classified as Pathogenic. Donor and acceptor splice site variants typically lead to a loss of protein function (PMID: 16199547), and loss-of-function variants in ATP7B are known to be pathogenic (PMID: 10441329, 16283883). Algorithms developed to predict the effect of sequence changes on RNA splicing suggest that this variant may disrupt the consensus splice site, but this prediction has not been confirmed by published transcriptional studies. This variant has been observed to be homozygous or in combination with another ATP7B variant in individuals with Wilson Disease (PMID: 23551039, 22087377, 29914392). This variant is not present in population databases (ExAC no frequency). This sequence change affects an acceptor splice site in intron 12 of the ATP7B gene. It is expected to disrupt RNA splicing and likely results in an absent or disrupted protein product.

Department of Genetics, Sultan Qaboos University Hospital
Classification: Pathogenic for Wilson disease. Last evaluated: 2017-12-30. Review status: no assertion criteria provided. Collection method: clinical testing. Allele origin: unknown. Affected: yes. Not counted in ClinVar's aggregate classification.

Literature cited by the submitters: PubMed 16199547 (cited by Labcorp Genetics (formerly Invitae), Labcorp); PubMed 10441329 (cited by Labcorp Genetics (formerly Invitae), Labcorp); PubMed 16283883 (cited by Labcorp Genetics (formerly Invitae), Labcorp); PubMed 23551039 (cited by Labcorp Genetics (formerly Invitae), Labcorp); PubMed 22087377 (cited by Labcorp Genetics (formerly Invitae), Labcorp and Department of Genetics, Sultan Qaboos University Hospital); PubMed 29914392 (cited by Labcorp Genetics (formerly Invitae), Labcorp).